The following is an entry in ClinVar:

NM_006059.4(LAMC3):c.2280_2284del (p.Gln760fs)

Gene: LAMC3 (laminin subunit gamma 3; plus strand). Cytogenetic location: 9q34.12.
Variant type: Deletion.
Coding change: c.2280_2284del on transcript NM_006059.4 (MANE Select); coding-DNA positions 2280 to 2284, 5 bases deleted (GTCGG; older notation c.2280_2284delGTCGG).
Protein change: p.Gln760fs; shifts the reading frame from glutamine 760.
Molecular consequence: frameshift variant.
Genome position (GRCh38, 1-based): chr9:131,061,156-131,061,160, GTCGG deleted. VCF-style (leftmost placement, unchanged base first): chr9-131061155-AGTCGG-A. GRCh37 (hg19) VCF-style: chr9-133936542-AGTCGG-A.
Other names: short protein forms Q760fs.
Identifiers: ClinVar variation 1993914 (VCV001993914.4), dbSNP rs2538293259, ClinGen allele CA2580079846.
Genomic context (GRCh38, chr9:131,061,155, plus strand): 5'-TCTATGGCAACCCTTTCGCGGGCCAAGCCGACGACTGCCAGCCCTGTCCCTGCCCTGGCC[AGTCGG>A]CCTGTACGACCATCCCAGAGAGCCGGGAGGTGGTGTGTACCCACTGCCCCCCGGGCCAGA-3'

ClinVar aggregate classification (germline): Pathogenic (1 of 4 stars; one submission).

Allele frequency attached by ClinVar (database versions not stated): gnomAD exomes below 0.00001.

Submission:

Labcorp Genetics (formerly Invitae), Labcorp
Classification: Pathogenic. Last evaluated: 2022-05-13. Review status: criteria provided, single submitter. Criteria: Invitae Variant Classification Sherloc (09022015). Collection method: clinical testing. Allele origin: germline.
Comment: This variant is not present in population databases (gnomAD no frequency). For these reasons, this variant has been classified as Pathogenic. This variant has not been reported in the literature in individuals affected with LAMC3-related conditions. This sequence change creates a premature translational stop signal (p.Gln760Hisfs*26) in the LAMC3 gene. It is expected to result in an absent or disrupted protein product. Loss-of-function variants in LAMC3 are known to be pathogenic (PMID: 21572413, 26802095).

Literature cited by the submitters: PubMed 21572413; PubMed 26802095.